The following is an entry in ClinVar:

NM_000051.4(ATM):c.8584+9del

Genes: ATM (ATM serine/threonine kinase; plus strand), C11orf65 (chromosome 11 open reading frame 65; minus strand). Cytogenetic location: 11q22.3.
Variant type: Deletion.
Coding change: c.8584+9del on transcript NM_000051.4 (MANE Select); 9 bases into the intron after coding-DNA position 8584, one base deleted (C; older notation c.8584+9delC).
Molecular consequence: intron variant.
Genome position (GRCh38, 1-based): chr11:108,345,917, C deleted. VCF-style (leftmost placement, unchanged base first): chr11-108345916-TC-T. GRCh37 (hg19) VCF-style: chr11-108216643-TC-T.
Other names: c.8584+9delC (NM_000051.3); c.8584+9del (NM_001351834.2); c.641-36846del (NM_001330368.2); c.695-10625del (NM_001351110.2).
Identifiers: ClinVar variation 628493 (VCV000628493.12), dbSNP rs1565564405, ClinGen allele CA913188420.

ClinVar aggregate classification (germline): Likely benign. Review status: criteria provided, multiple submitters, no conflicts (2 of 4 stars). 3 submissions from 3 submitters: Likely benign (3). Last evaluated 2024-06-20.

Conditions:
Ataxia-telangiectasia syndrome (AT). Also called: Ataxia-telangiectasia, complementation group D; AT, COMPLEMENTATION GROUP C; ATAXIA-TELANGIECTASIA, COMPLEMENTATION GROUP A; ATAXIA-TELANGIECTASIA, FRESNO VARIANT; Ataxia-telangiectasia; LOUIS-BAR SYNDROME. Identifiers: Orphanet 100, MedGen C0004135, MONDO:0008840, OMIM 208900.
Familial cancer of breast. Also called: Hereditary breast cancer; BREAST CANCER, FAMILIAL; hereditary breast carcinoma. Identifiers: Orphanet 227535, MedGen C0346153, MONDO:0016419, OMIM 114480. Disease mechanism: loss of function.
Hereditary cancer-predisposing syndrome. Also called: Tumor predisposition; Hereditary neoplastic syndrome; Neoplastic Syndromes, Hereditary; Hereditary Cancer Syndrome. Identifiers: Orphanet 140162, MedGen C0027672, MeSH D009386, MONDO:0015356.

Allele frequency attached by ClinVar (database versions not stated): gnomAD exomes below 0.00001.

Submissions (3):

Myriad Genetics, Inc.
Classification: Likely benign for Familial cancer of breast. Last evaluated: 2024-06-20. Review status: criteria provided, single submitter. Criteria: Myriad Autosomal Dominant, Autosomal Recessive and X-Linked Classification Criteria (2023). Collection method: clinical testing. Allele origin: unknown.
Comment: This variant is considered likely benign. This variant is intronic and is not expected to impact mRNA splicing.

Labcorp Genetics (formerly Invitae), Labcorp
Classification: Likely benign for Ataxia-telangiectasia syndrome. Last evaluated: 2024-03-16. Review status: criteria provided, single submitter. Criteria: Invitae Variant Classification Sherloc (09022015). Collection method: clinical testing. Allele origin: germline.

Color Diagnostics, LLC DBA Color Health
Classification: Likely benign for Hereditary cancer-predisposing syndrome. Last evaluated: 2018-06-01. Review status: criteria provided, single submitter. Criteria: ACMG Guidelines, 2015. Collection method: clinical testing. Allele origin: germline.